The following is an entry in ClinVar:

NM_000069.3(CACNA1S):c.2224C>T (p.Pro742Ser)

Gene: CACNA1S (calcium voltage-gated channel subunit alpha1 S; minus strand). Cytogenetic location: 1q32.1.
Variant type: single nucleotide variant.
Coding change: c.2224C>T on transcript NM_000069.3 (MANE Select); coding-DNA position 2224, C replaced by T.
Protein change: p.Pro742Ser; replaces proline 742 with serine.
Molecular consequence: missense variant.
Genome position (GRCh38, 1-based): chr1:201,072,758, G>A on the plus strand (C>T on the coding strand, the complement: CACNA1S is on the minus strand). VCF-style: chr1-201072758-G-A. GRCh37 (hg19) VCF-style: chr1-201041886-G-A.
Other names: short protein forms P742S.
Identifiers: ClinVar variation 2428663 (VCV002428663.7), dbSNP rs2464546834, ClinGen allele CA344111792.

ClinVar aggregate classification (germline): Pathogenic. Review status: criteria provided, multiple submitters, no conflicts (2 of 4 stars). 3 submissions from 3 submitters: Pathogenic (2). 1 of the submissions does not count toward it. Last evaluated 2024-03-01.

Conditions:
Congenital myopathy 18. Also called: DIHYDROPYRIDINE RECEPTOR CONGENITAL MYOPATHY; DHPR CONGENITAL MYOPATHY; Myopathy, congenital, due to dihydropyridine receptor defect. Identifiers: MedGen C5830283, MONDO:0859514, OMIM 620246.

Submissions (3):

Muscle and Diseases Team, Institut de Génétique et Biologie Moléculaire et Cellulaire
Classification: Pathogenic for Congenital myopathy 18. Last evaluated: 2024-03-01. Review status: criteria provided, single submitter. Criteria: ACMG Guidelines, 2015. Collection method: research. Allele origin: de novo. Affected: yes. Observed: 1 variant allele.
Comment: PS2+PS3+PM1+PM2+PP3

ARUP Laboratories, Molecular Genetics and Genomics, ARUP Laboratories
Classification: Pathogenic. Last evaluated: 2022-04-15. Review status: criteria provided, single submitter. Criteria: ARUP Molecular Germline Variant Investigation Process 2021. Collection method: clinical testing. Allele origin: germline.

OMIM
Classification: Pathogenic for CONGENITAL MYOPATHY 18, AUTOSOMAL DOMINANT. Last evaluated: 2024-07-16. Review status: no assertion criteria provided. Collection method: literature only. Allele origin: germline. Not counted in ClinVar's aggregate classification.

Literature cited by the submitters: DOI 10.1186/s13073-024-01353-0 (cited by Muscle and Diseases Team, Institut de Génétique et Biologie Moléculaire et Cellulaire); PubMed 28012042 (cited by Muscle and Diseases Team, Institut de Génétique et Biologie Moléculaire et Cellulaire and OMIM).